The following is an entry in ClinVar:

ClinVar aggregate classification (germline): Uncertain significance (1 of 4 stars; one submission).

Allele frequency attached by ClinVar (database versions not stated): gnomAD exomes below 0.00001; TOPMed below 0.00001.
gnomAD v4.1: 5 of 1,613,588 alleles (0.00031%); highest among the groups gnomAD compares: Admixed American, 0.0033%; no homozygotes.

Submission:

Labcorp Genetics (formerly Invitae), Labcorp
Classification: Uncertain significance. Last evaluated: 2024-05-15. Review status: criteria provided, single submitter. Criteria: Invitae Variant Classification Sherloc (09022015). Collection method: clinical testing. Allele origin: germline.
Comment: This sequence change replaces arginine, which is basic and polar, with histidine, which is basic and polar, at codon 1665 of the PCLO protein (p.Arg1665His). This variant is present in population databases (no rsID available, gnomAD 0.003%). This variant has not been reported in the literature in individuals affected with PCLO-related conditions. ClinVar contains an entry for this variant (Variation ID: 1525861). Experimental studies and prediction algorithms are not available or were not evaluated, and the functional significance of this variant is currently unknown. In summary, the available evidence is currently insufficient to determine the role of this variant in disease. Therefore, it has been classified as a Variant of Uncertain Significance.

NM_033026.6(PCLO):c.4994G>A (p.Arg1665His)

Gene: PCLO (piccolo presynaptic cytomatrix protein; minus strand). Cytogenetic location: 7q21.11.
Variant type: single nucleotide variant.
Coding change: c.4994G>A on transcript NM_033026.6 (MANE Select); coding-DNA position 4994, G replaced by A.
Protein change: p.Arg1665His; replaces arginine 1665 with histidine.
Molecular consequence: missense variant.
Genome position (GRCh38, 1-based): chr7:82,955,959, C>T on the plus strand (G>A on the coding strand, the complement: PCLO is on the minus strand). VCF-style: chr7-82955959-C-T. GRCh37 (hg19) VCF-style: chr7-82585275-C-T.
Other names: c.4994G>A, p.Arg1665His (NM_014510.3); short protein forms R1665H.
Identifiers: ClinVar variation 1525861 (VCV001525861.5), dbSNP rs1404141971, ClinGen allele CA367925483.